The following is an entry in ClinVar:

ClinVar aggregate classification (germline): Uncertain significance (1 of 4 stars; one submission).

Allele frequency attached by ClinVar (database versions not stated): gnomAD exomes below 0.00001.
gnomAD v4.1: 1 of 1,614,114 alleles (0.000062%); highest among the groups gnomAD compares: Non-Finnish European, 0.000085%; no homozygotes.

Submission:

Labcorp Genetics (formerly Invitae), Labcorp
Classification: Uncertain significance. Last evaluated: 2022-11-08. Review status: criteria provided, single submitter. Criteria: Invitae Variant Classification Sherloc (09022015). Collection method: clinical testing. Allele origin: germline.
Comment: Algorithms developed to predict the effect of missense changes on protein structure and function are either unavailable or do not agree on the potential impact of this missense change (SIFT: "Deleterious"; PolyPhen-2: "Probably Damaging"; Align-GVGD: "Class C0"). In summary, the available evidence is currently insufficient to determine the role of this variant in disease. Therefore, it has been classified as a Variant of Uncertain Significance. ClinVar contains an entry for this variant (Variation ID: 1363799). This variant has not been reported in the literature in individuals affected with MSH3-related conditions. This variant is not present in population databases (gnomAD no frequency). This sequence change replaces methionine, which is neutral and non-polar, with isoleucine, which is neutral and non-polar, at codon 899 of the MSH3 protein (p.Met899Ile).

NM_002439.5(MSH3):c.2697G>T (p.Met899Ile)

Gene: MSH3 (mutS homolog 3; plus strand). Cytogenetic location: 5q14.1.
Variant type: single nucleotide variant.
Coding change: c.2697G>T on transcript NM_002439.5 (MANE Select); coding-DNA position 2697, G replaced by T.
Protein change: p.Met899Ile; replaces methionine 899 with isoleucine.
Molecular consequence: missense variant.
Genome position (GRCh38, 1-based): chr5:80,813,625, G>T. VCF-style: chr5-80813625-G-T. GRCh37 (hg19) VCF-style: chr5-80109444-G-T.
Other names: short protein forms M899I.
Identifiers: ClinVar variation 1363799 (VCV001363799.6), dbSNP rs1745047109, ClinGen allele CA360273890.
Genomic context (GRCh38, chr5:80,813,625, plus strand): 5'-ATTCCTTTCTAATTTTCAGGAGGACTCAGAGAGAGTAATGATAATTACCGGACCAAACAT[G>T]GGTGGAAAGAGCTCCTACATAAAACAAGTTGCATTGATTACCATCATGGCTCAGATTGGC-3'
Protein context (NP_002430.3, residues 889-909): ERVMIITGPN[Met899Ile]GGKSSYIKQV